The following is an entry in ClinVar:

ClinVar aggregate classification (germline): Uncertain significance (1 of 4 stars; one submission).

Submission:

GeneDx
Classification: Uncertain significance. Last evaluated: 2023-04-19. Review status: criteria provided, single submitter. Criteria: GeneDx Variant Classification Process June 2021. Collection method: clinical testing. Allele origin: germline. Affected: yes.
Comment: Not observed at significant frequency in large population cohorts (gnomAD); In silico analysis supports that this missense variant has a deleterious effect on protein structure/function; Has not been previously published as pathogenic or benign to our knowledge; Variants in candidate genes are classified as variants of uncertain significance in accordance with ACMG guidelines (Richards et al., 2015)

NM_001395002.1(MAP4K4):c.3268A>T (p.Ser1090Cys)

Gene: MAP4K4 (mitogen-activated protein kinase kinase kinase kinase 4; plus strand). Cytogenetic location: 2q11.2.
Variant type: single nucleotide variant.
Coding change: c.3268A>T on transcript NM_001395002.1 (MANE Select); coding-DNA position 3268, A replaced by T.
Protein change: p.Ser1090Cys; replaces serine 1090 with cysteine.
Molecular consequence: missense variant. On other transcripts: non-coding transcript variant (4).
Genome position (GRCh38, 1-based): chr2:101,877,029, A>T. VCF-style: chr2-101877029-A-T. GRCh37 (hg19) VCF-style: chr2-102493491-A-T.
Other names: c.2833A>T, p.Ser945Cys (NM_001242559.2); c.2821A>T, p.Ser941Cys (NM_001242560.2); c.2911A>T, p.Ser971Cys (NM_001384476.1); c.3100A>T, p.Ser1034Cys (NM_001384477.1); c.2590A>T, p.Ser864Cys (NM_001384478.1); c.3028A>T, p.Ser1010Cys (NM_001384481.1); c.2581A>T, p.Ser861Cys (NM_001384482.1); c.2863A>T, p.Ser955Cys (NM_001384483.1); and 39 more; short protein forms S1001C, S1002C, S1007C, S1010C, S1012C, S1013C, S1024C, S1025C.
Identifiers: ClinVar variation 3253066 (VCV003253066.1), dbSNP rs2468661370.